The following is an entry in ClinVar:

ClinVar aggregate classification (germline): Conflicting classifications of pathogenicity. Review status: criteria provided, conflicting classifications (1 of 4 stars). 4 submissions from 3 submitters: Uncertain significance (1); Likely benign (2). 1 of the submissions does not count toward it. Last evaluated 2025-10-08.

Conditions:
SPTBN2-related disorder. Also called: SPTBN2-related condition.
Autosomal recessive spinocerebellar ataxia 14. Also called: CEREBELLAR ATAXIA, AUTOSOMAL RECESSIVE, SPECTRIN-ASSOCIATED, 1. Identifiers: Orphanet 352403, MedGen C4706415, MONDO:0014159, OMIM 615386.
Spinocerebellar ataxia type 5 (SCA5). Identifiers: Orphanet 98766, MedGen C0752123, MONDO:0010848, OMIM 600224.

Allele frequency attached by ClinVar (database versions not stated): gnomAD 0.00008; gnomAD exomes 0.00010; TOPMed 0.00012; ExAC 0.00014; 1000 Genomes Project 30x 0.00031; 1000 Genomes Project 0.00040.

Submissions (4):

Labcorp Genetics (formerly Invitae), Labcorp
Classification: Likely benign. Last evaluated: 2025-10-08. Review status: criteria provided, single submitter. Criteria: Invitae Variant Classification Sherloc (09022015). Collection method: clinical testing. Allele origin: germline.

Illumina Laboratory Services, Illumina
Classification: Likely benign for Spinocerebellar ataxia type 5. Last evaluated: 2018-01-12. Review status: criteria provided, single submitter. Criteria: ICSL Variant Classification Criteria 13 December 2019. Collection method: clinical testing. Allele origin: germline.
Comment: This variant was observed in the ICSL laboratory as part of a predisposition screen in an ostensibly healthy population. It had not been previously curated by ICSL or reported in the Human Gene Mutation Database (HGMD: prior to June 1st, 2018), and was therefore a candidate for classification through an automated scoring system. Utilizing variant allele frequency, disease prevalence and penetrance estimates, and inheritance mode, an automated score was calculated to assess if this variant is too frequent to cause the disease. Based on the score and internal cut-off values, a variant classified as likely benign is not then subjected to further curation. The score for this variant resulted in a classification of likely benign for this disease.

Illumina Laboratory Services, Illumina
Classification: Uncertain significance for Autosomal recessive spinocerebellar ataxia 14. Last evaluated: 2018-01-12. Review status: criteria provided, single submitter. Criteria: ICSL Variant Classification Criteria 13 December 2019. Collection method: clinical testing. Allele origin: germline.

PreventionGenetics, part of Exact Sciences
Classification: Likely benign for SPTBN2-related condition. Last evaluated: 2019-07-04. Review status: no assertion criteria provided. Collection method: clinical testing. Allele origin: germline. Not counted in ClinVar's aggregate classification.
Comment: This variant is classified as likely benign based on ACMG/AMP sequence variant interpretation guidelines (Richards et al. 2015 PMID: 25741868, with internal and published modifications).

NM_006946.4(SPTBN2):c.5950-9C>T

Gene: SPTBN2 (spectrin beta, non-erythrocytic 2; minus strand). Cytogenetic location: 11q13.2.
Variant type: single nucleotide variant.
Coding change: c.5950-9C>T on transcript NM_006946.4 (MANE Select); 9 bases into the intron before coding-DNA position 5950, C replaced by T.
Molecular consequence: intron variant.
Genome position (GRCh38, 1-based): chr11:66,689,189, G>A on the plus strand (C>T on the coding strand, the complement: SPTBN2 is on the minus strand). VCF-style: chr11-66689189-G-A. GRCh37 (hg19) VCF-style: chr11-66456660-G-A.
Identifiers: ClinVar variation 305541 (VCV000305541.14), dbSNP rs554781314, ClinGen allele CA6128085.